The following is an entry in ClinVar:

NM_001384140.1(PCDH15):c.1808T>C (p.Ile603Thr)

Gene: PCDH15 (protocadherin related 15; minus strand). Cytogenetic location: 10q21.1.
Variant type: single nucleotide variant.
Coding change: c.1808T>C on transcript NM_001384140.1 (MANE Select); coding-DNA position 1808, T replaced by C.
Protein change: p.Ile603Thr; replaces isoleucine 603 with threonine.
Molecular consequence: missense variant. On other transcripts: intron variant (1).
Genome position (GRCh38, 1-based): chr10:54,132,984, A>G on the plus strand (T>C on the coding strand, the complement: PCDH15 is on the minus strand). VCF-style: chr10-54132984-A-G. GRCh37 (hg19) VCF-style: chr10-55892744-A-G.
Other names: c.1823T>C, p.Ile608Thr (NM_001142763.2, NM_001142771.2); c.1808T>C, p.Ile603Thr (NM_001142764.2, NM_001142766.2, NM_001142770.3 and 5 more transcripts); c.1697T>C, p.Ile566Thr (NM_001142767.2); c.1742T>C, p.Ile581Thr (NM_001142768.2, NM_001142773.2, NM_001354404.2); c.1844T>C, p.Ile615Thr (NM_001142769.4); c.1829T>C, p.Ile610Thr (NM_001354411.2); c.1784+20116T>C (NM_001142765.2); short protein forms I566T, I603T, I608T, I610T, I615T, I581T.
Identifiers: ClinVar variation 879001 (VCV000879001.5), dbSNP rs893216164, ClinGen allele CA207196651.

ClinVar aggregate classification (germline): Uncertain significance. Review status: criteria provided, multiple submitters, no conflicts (2 of 4 stars). 2 submissions from 2 submitters: Uncertain significance (2). Last evaluated 2021-09-01.

Conditions:
Usher syndrome type 1 (USH1). Also called: RETINITIS PIGMENTOSA AND CONGENITAL DEAFNESS. Identifiers: Orphanet 231169, Orphanet 886, MedGen C1568247, MONDO:0010168, OMIM 276900.

Allele frequency attached by ClinVar (database versions not stated): TOPMed below 0.00001; gnomAD 0.00001; gnomAD exomes 0.00001.
gnomAD v4.1: 21 of 1,614,108 alleles (0.0013%); highest among the groups gnomAD compares: Middle Eastern, 0.033%; no homozygotes.

Submissions (2):

Labcorp Genetics (formerly Invitae), Labcorp
Classification: Uncertain significance. Last evaluated: 2021-09-01. Review status: criteria provided, single submitter. Criteria: Invitae Variant Classification Sherloc (09022015). Collection method: clinical testing. Allele origin: germline.
Comment: This sequence change replaces isoleucine with threonine at codon 603 of the PCDH15 protein (p.Ile603Thr). The isoleucine residue is highly conserved and there is a moderate physicochemical difference between isoleucine and threonine. This variant is not present in population databases (ExAC no frequency). This variant has not been reported in the literature in individuals affected with PCDH15-related conditions. Algorithms developed to predict the effect of missense changes on protein structure and function are either unavailable or do not agree on the potential impact of this missense change (SIFT: "Deleterious"; PolyPhen-2: "Benign"; Align-GVGD: "Class C0"). In summary, the available evidence is currently insufficient to determine the role of this variant in disease. Therefore, it has been classified as a Variant of Uncertain Significance.

Illumina Laboratory Services, Illumina
Classification: Uncertain significance for Usher syndrome type 1. Last evaluated: 2018-01-13. Review status: criteria provided, single submitter. Criteria: ICSL Variant Classification Criteria 13 December 2019. Collection method: clinical testing. Allele origin: germline.